The following is an entry in ClinVar:

ClinVar aggregate classification (germline): Uncertain significance. Review status: criteria provided, multiple submitters, no conflicts (2 of 4 stars). 2 submissions from 2 submitters: Uncertain significance (2). Last evaluated 2024-12-11.

Conditions:
Neurodevelopmental disorder with progressive spasticity and brain white matter abnormalities. Also called: CEREBRAL PALSY, SPASTIC QUADRIPLEGIC, 1. Identifiers: Orphanet 210141, Orphanet 641353, MedGen C5436628, MONDO:0033613, OMIM 619026.

Submissions (2):

Institute of Human Genetics, University of Leipzig Medical Center
Classification: Uncertain significance for Neurodevelopmental disorder with progressive spasticity and brain white matter abnormalities. Last evaluated: 2024-12-11. Review status: criteria provided, single submitter. Criteria: ACMG Guidelines, 2015. Collection method: clinical testing. Allele origin: unknown. Inheritance: Autosomal recessive inheritance. Affected: yes.
Comment: Criteria applied: PM2,PM3,PP3

Genomic Medicine Center of Excellence, King Faisal Specialist Hospital and Research Centre
Classification: Uncertain significance for Neurodevelopmental disorder with progressive spasticity and brain white matter abnormalities. Last evaluated: 2024-04-04. Review status: criteria provided, single submitter. Criteria: ACMG Guidelines, 2015. Collection method: clinical testing. Allele origin: germline.

NM_032756.4(HPDL):c.1058A>T (p.Asn353Ile)

Gene: HPDL (4-hydroxyphenylpyruvate dioxygenase like; plus strand). Cytogenetic location: 1p34.1.
Variant type: single nucleotide variant.
Coding change: c.1058A>T on transcript NM_032756.4 (MANE Select); coding-DNA position 1058, A replaced by T.
Protein change: p.Asn353Ile; replaces asparagine 353 with isoleucine.
Molecular consequence: missense variant.
Genome position (GRCh38, 1-based): chr1:45,328,206, A>T. VCF-style: chr1-45328206-A-T. GRCh37 (hg19) VCF-style: chr1-45793878-A-T.
Other names: short protein forms N353I.
Identifiers: ClinVar variation 3068170 (VCV003068170.3), dbSNP rs1272988091, ClinGen allele CA340131033.